The following is an entry in ClinVar:

NM_001036.6(RYR3):c.11441A>G (p.Asn3814Ser)

Gene: RYR3 (ryanodine receptor 3; plus strand). Cytogenetic location: 15q14.
Variant type: single nucleotide variant.
Coding change: c.11441A>G on transcript NM_001036.6 (MANE Select); coding-DNA position 11441, A replaced by G.
Protein change: p.Asn3814Ser; replaces asparagine 3814 with serine.
Molecular consequence: missense variant.
Genome position (GRCh38, 1-based): chr15:33,831,069, A>G. VCF-style: chr15-33831069-A-G. GRCh37 (hg19) VCF-style: chr15-34123270-A-G.
Other names: c.11426A>G, p.Asn3809Ser (NM_001243996.4); short protein forms N3809S, N3814S.
Identifiers: ClinVar variation 842673 (VCV000842673.9), dbSNP rs776225973, ClinGen allele CA7461220.
Genomic context (GRCh38, chr15:33,831,069, plus strand): 5'-TTGATGAATCTGGACAGCACAATTTTTCCAAAGCTCTGGCAGTCACCAAGCAGATTTTCA[A>G]TTCTCTTACAGAATACATCCAGGTATGTGCTACAGAGTGCATGGTTGAAAACAAAGAGAA-3'
Protein context (NP_001027.3, residues 3804-3824): KALAVTKQIF[Asn3814Ser]SLTEYIQGPC

ClinVar aggregate classification (germline): Uncertain significance (1 of 4 stars; one submission).

Conditions:
Epileptic encephalopathy. Identifiers: MedGen C0543888, HP:0200134.

Allele frequency attached by ClinVar (database versions not stated): gnomAD exomes 0.00001 and 0.00003; ExAC 0.00002; TOPMed 0.00002; gnomAD 0.00003.
gnomAD v4.1: 23 of 1,613,496 alleles (0.0014%); highest among the groups gnomAD compares: East Asian, 0.0022%; 1 homozygote.

Submission:

Labcorp Genetics (formerly Invitae), Labcorp
Classification: Uncertain significance for Epileptic encephalopathy. Last evaluated: 2022-12-02. Review status: criteria provided, single submitter. Criteria: Invitae Variant Classification Sherloc (09022015). Collection method: clinical testing. Allele origin: germline.
Comment: This sequence change replaces asparagine, which is neutral and polar, with serine, which is neutral and polar, at codon 3814 of the RYR3 protein (p.Asn3814Ser). This variant is present in population databases (rs776225973, gnomAD 0.005%). This variant has not been reported in the literature in individuals affected with RYR3-related conditions. ClinVar contains an entry for this variant (Variation ID: 842673). Advanced modeling of protein sequence and biophysical properties (such as structural, functional, and spatial information, amino acid conservation, physicochemical variation, residue mobility, and thermodynamic stability) performed at Invitae indicates that this missense variant is not expected to disrupt RYR3 protein function. In summary, the available evidence is currently insufficient to determine the role of this variant in disease. Therefore, it has been classified as a Variant of Uncertain Significance.